The following is an entry in ClinVar:

ClinVar aggregate classification (germline): Uncertain significance (1 of 4 stars; one submission).

Conditions:
Congenital myotonia, autosomal dominant form (THD). Also called: THOMSEN DISEASE; Myotonia congenita autosomal dominant. Identifiers: Orphanet 614, MedGen C2936781, MONDO:0008055, OMIM 160800.
Congenital myotonia, autosomal recessive form. Also called: BECKER DISEASE; Becker Generalized Myotonia; myotonia congenita, autosomal recessive. Identifiers: Orphanet 614, MedGen C0751360, MONDO:0009715, OMIM 255700.

Allele frequency attached by ClinVar (database versions not stated): TOPMed below 0.00001.
gnomAD v4.1: 4 of 1,613,318 alleles (0.00025%); highest among the groups gnomAD compares: Admixed American, 0.0033%; no homozygotes.

Submission:

Labcorp Genetics (formerly Invitae), Labcorp
Classification: Uncertain significance for Congenital myotonia, autosomal recessive form; Congenital myotonia, autosomal dominant form. Last evaluated: 2023-08-09. Review status: criteria provided, single submitter. Criteria: Invitae Variant Classification Sherloc (09022015). Collection method: clinical testing. Allele origin: germline.
Comment: Algorithms developed to predict the effect of missense changes on protein structure and function output the following: SIFT: "Not Available"; PolyPhen-2: "Benign"; Align-GVGD: "Not Available". The leucine amino acid residue is found in multiple mammalian species, which suggests that this missense change does not adversely affect protein function. In summary, the available evidence is currently insufficient to determine the role of this variant in disease. Therefore, it has been classified as a Variant of Uncertain Significance. This variant has not been reported in the literature in individuals affected with CLCN1-related conditions. This variant is present in population databases (rs770282110, gnomAD 0.006%). This sequence change replaces arginine, which is basic and polar, with leucine, which is neutral and non-polar, at codon 390 of the CLCN1 protein (p.Arg390Leu).

NM_000083.3(CLCN1):c.1169G>T (p.Arg390Leu)

Gene: CLCN1 (chloride voltage-gated channel 1; plus strand). Cytogenetic location: 7q34.
Variant type: single nucleotide variant.
Coding change: c.1169G>T on transcript NM_000083.3 (MANE Select); coding-DNA position 1169, G replaced by T.
Protein change: p.Arg390Leu; replaces arginine 390 with leucine.
Molecular consequence: missense variant. On other transcripts: non-coding transcript variant (1).
Genome position (GRCh38, 1-based): chr7:143,332,421, G>T. VCF-style: chr7-143332421-G-T. GRCh37 (hg19) VCF-style: chr7-143029514-G-T.
Other names: short protein forms R390L.
Identifiers: ClinVar variation 2933226 (VCV002933226.3), dbSNP rs770282110, ClinGen allele CA4537274.
Genomic context (GRCh38, chr7:143,332,421, plus strand): 5'-GTATGGTATTTACTGTGAGTTGGCTGAATTGTGGCGGTTAACTCTGTTTCTTTTTCAGCC[G>T]CCTGCTGTATCCTGGAATTGTTACCTTTGTCATTGCCTCATTCACCTTCCCACCAGGAAT-3'
Protein context (NP_000074.3, residues 380-400): KALSQFLAKH[Arg390Leu]LLYPGIVTFV